The following is an entry in ClinVar:

ClinVar aggregate classification (germline): Benign/Likely benign. Review status: criteria provided, multiple submitters, no conflicts (2 of 4 stars). 5 submissions from 5 submitters: Benign (2); Likely benign (3). Last evaluated 2026-02-01.

Conditions:
Spondyloepimetaphyseal dysplasia, PAPSS2 type. Also called: BRACHYOLMIA TYPE 4 WITH MILD EPIPHYSEAL AND METAPHYSEAL CHANGES; SPONDYLODYSPLASIA AND PREMATURE PUBARCHE; SEMD, PAKISTANI TYPE. Identifiers: Orphanet 93282, MedGen C2748516, MONDO:0019666, OMIM 612847.

Allele frequency attached by ClinVar (database versions not stated): 1000 Genomes Project 0.00659; 1000 Genomes Project 30x 0.00781; gnomAD exomes 0.01330; TOPMed 0.01355; ExAC 0.01384; ESP Exome Variant Server 0.01569.
gnomAD v4.1: 30,897 of 1,599,836 alleles (1.9%); highest among the groups gnomAD compares: Non-Finnish European, 2.4%; 370 homozygotes.

Submissions (40):

Labcorp Genetics (formerly Invitae), Labcorp
Classification: Benign for Spondyloepimetaphyseal dysplasia, PAPSS2 type. Last evaluated: 2026-02-01. Review status: criteria provided, single submitter. Criteria: Invitae Variant Classification Sherloc (09022015). Collection method: clinical testing. Allele origin: germline.

Mayo Clinic Laboratories, Mayo Clinic
Classification: Likely benign. Last evaluated: 2024-12-09. Review status: criteria provided, single submitter. Criteria: ACMG Guidelines, 2015. Collection method: clinical testing. Allele origin: germline. Observed: 2 variant alleles.
Comment: BA1

GeneDx
Classification: Likely benign. Last evaluated: 2019-06-17. Review status: criteria provided, single submitter. Criteria: GeneDx Variant Classification Process June 2021. Collection method: clinical testing. Allele origin: germline. Affected: yes.
Comment: This variant is associated with the following publications: (PMID: 11773860)

Eurofins Ntd Llc (ga)
Classification: Benign. Last evaluated: 2016-07-07. Review status: criteria provided, single submitter. Criteria: EGL Classification Definitions 2015. Collection method: clinical testing. Allele origin: germline. Observed: 1 variant allele, 1 heterozygote.

Breakthrough Genomics
Classification: Likely benign. Review status: criteria provided, single submitter. Criteria: ACMG Guidelines, 2015. Collection method: not provided. Allele origin: germline. Inheritance: Autosomal recessive inheritance. Affected: yes.

Dr. Peter K. Rogan Lab, Western University
No classification provided (evidence only). Condition: Lung cancer. Review status: no classification provided. Collection method: in vitro. Allele origin: not applicable. Functional consequence: cryptic splice site, retained intron. Not counted in ClinVar's aggregate classification.

Dr. Peter K. Rogan Lab, Western University
No classification provided (evidence only). Condition: Lung cancer. Review status: no classification provided. Collection method: in vitro. Allele origin: not applicable. Functional consequence: retained intron. Not counted in ClinVar's aggregate classification.

Dr. Peter K. Rogan Lab, Western University
No classification provided (evidence only). Condition: Lung cancer. Review status: no classification provided. Collection method: in vitro. Allele origin: not applicable. Functional consequence: retained intron. Not counted in ClinVar's aggregate classification.

Dr. Peter K. Rogan Lab, Western University
No classification provided (evidence only). Condition: Lung cancer. Review status: no classification provided. Collection method: in vitro. Allele origin: not applicable. Functional consequence: retained intron. Not counted in ClinVar's aggregate classification.

Dr. Peter K. Rogan Lab, Western University
No classification provided (evidence only). Condition: Lung cancer. Review status: no classification provided. Collection method: in vitro. Allele origin: not applicable. Functional consequence: retained intron. Not counted in ClinVar's aggregate classification.

Dr. Peter K. Rogan Lab, Western University
No classification provided (evidence only). Condition: Lung cancer. Review status: no classification provided. Collection method: in vitro. Allele origin: not applicable. Functional consequence: retained intron. Not counted in ClinVar's aggregate classification.

Dr. Peter K. Rogan Lab, Western University
No classification provided (evidence only). Condition: Melanoma. Review status: no classification provided. Collection method: in vitro. Allele origin: not applicable. Functional consequence: cryptic splice site. Not counted in ClinVar's aggregate classification.

Dr. Peter K. Rogan Lab, Western University
No classification provided (evidence only). Condition: Melanoma. Review status: no classification provided. Collection method: in vitro. Allele origin: not applicable. Functional consequence: retained intron. Not counted in ClinVar's aggregate classification.

Dr. Peter K. Rogan Lab, Western University
No classification provided (evidence only). Condition: Melanoma. Review status: no classification provided. Collection method: in vitro. Allele origin: not applicable. Functional consequence: retained intron. Not counted in ClinVar's aggregate classification.

Dr. Peter K. Rogan Lab, Western University
No classification provided (evidence only). Condition: Acute myeloid leukemia. Review status: no classification provided. Collection method: in vitro. Allele origin: not applicable. Functional consequence: retained intron. Not counted in ClinVar's aggregate classification.

Dr. Peter K. Rogan Lab, Western University
No classification provided (evidence only). Condition: Acute myeloid leukemia. Review status: no classification provided. Collection method: in vitro. Allele origin: not applicable. Functional consequence: retained intron. Not counted in ClinVar's aggregate classification.

Dr. Peter K. Rogan Lab, Western University
No classification provided (evidence only). Condition: Colon adenocarcinoma. Review status: no classification provided. Collection method: in vitro. Allele origin: not applicable. Functional consequence: retained intron. Not counted in ClinVar's aggregate classification.

Dr. Peter K. Rogan Lab, Western University
No classification provided (evidence only). Condition: Colon adenocarcinoma. Review status: no classification provided. Collection method: in vitro. Allele origin: not applicable. Functional consequence: retained intron. Not counted in ClinVar's aggregate classification.

Dr. Peter K. Rogan Lab, Western University
No classification provided (evidence only). Condition: Colorectal cancer. Review status: no classification provided. Collection method: in vitro. Allele origin: not applicable. Functional consequence: retained intron. Not counted in ClinVar's aggregate classification.

Dr. Peter K. Rogan Lab, Western University
No classification provided (evidence only). Condition: Colorectal cancer. Review status: no classification provided. Collection method: in vitro. Allele origin: not applicable. Functional consequence: retained intron. Not counted in ClinVar's aggregate classification.

Dr. Peter K. Rogan Lab, Western University
No classification provided (evidence only). Condition: Colorectal cancer. Review status: no classification provided. Collection method: in vitro. Allele origin: not applicable. Functional consequence: retained intron. Not counted in ClinVar's aggregate classification.

Dr. Peter K. Rogan Lab, Western University
No classification provided (evidence only). Condition: Cervical cancer. Review status: no classification provided. Collection method: in vitro. Allele origin: not applicable. Functional consequence: retained intron. Not counted in ClinVar's aggregate classification.

Dr. Peter K. Rogan Lab, Western University
No classification provided (evidence only). Condition: Sarcoma. Review status: no classification provided. Collection method: in vitro. Allele origin: not applicable. Functional consequence: retained intron. Not counted in ClinVar's aggregate classification.

Dr. Peter K. Rogan Lab, Western University
No classification provided (evidence only). Condition: Sarcoma. Review status: no classification provided. Collection method: in vitro. Allele origin: not applicable. Functional consequence: retained intron. Not counted in ClinVar's aggregate classification.

Dr. Peter K. Rogan Lab, Western University
No classification provided (evidence only). Condition: Sarcoma. Review status: no classification provided. Collection method: in vitro. Allele origin: not applicable. Functional consequence: retained intron. Not counted in ClinVar's aggregate classification.

Dr. Peter K. Rogan Lab, Western University
No classification provided (evidence only). Condition: Sarcoma. Review status: no classification provided. Collection method: in vitro. Allele origin: not applicable. Functional consequence: retained intron. Not counted in ClinVar's aggregate classification.

Dr. Peter K. Rogan Lab, Western University
No classification provided (evidence only). Condition: Malignant lymphoma, large B-cell, diffuse. Review status: no classification provided. Collection method: in vitro. Allele origin: not applicable. Functional consequence: retained intron. Not counted in ClinVar's aggregate classification.

Dr. Peter K. Rogan Lab, Western University
No classification provided (evidence only). Condition: Hepatocellular carcinoma. Review status: no classification provided. Collection method: in vitro. Allele origin: not applicable. Functional consequence: retained intron. Not counted in ClinVar's aggregate classification.

Dr. Peter K. Rogan Lab, Western University
No classification provided (evidence only). Condition: Hepatocellular carcinoma. Review status: no classification provided. Collection method: in vitro. Allele origin: not applicable. Functional consequence: cryptic splice site. Not counted in ClinVar's aggregate classification.

Dr. Peter K. Rogan Lab, Western University
No classification provided (evidence only). Condition: Hepatocellular carcinoma. Review status: no classification provided. Collection method: in vitro. Allele origin: not applicable. Functional consequence: retained intron. Not counted in ClinVar's aggregate classification.

Dr. Peter K. Rogan Lab, Western University
No classification provided (evidence only). Condition: Nonpapillary renal cell carcinoma. Review status: no classification provided. Collection method: in vitro. Allele origin: not applicable. Functional consequence: retained intron. Not counted in ClinVar's aggregate classification.

Dr. Peter K. Rogan Lab, Western University
No classification provided (evidence only). Condition: Thymoma. Review status: no classification provided. Collection method: in vitro. Allele origin: not applicable. Functional consequence: retained intron. Not counted in ClinVar's aggregate classification.

Dr. Peter K. Rogan Lab, Western University
No classification provided (evidence only). Condition: Cholangiocarcinoma. Review status: no classification provided. Collection method: in vitro. Allele origin: not applicable. Functional consequence: retained intron. Not counted in ClinVar's aggregate classification.

Dr. Peter K. Rogan Lab, Western University
No classification provided (evidence only). Condition: Ovarian serous cystadenocarcinoma. Review status: no classification provided. Collection method: in vitro. Allele origin: not applicable. Functional consequence: retained intron. Not counted in ClinVar's aggregate classification.

Dr. Peter K. Rogan Lab, Western University
No classification provided (evidence only). Condition: Gastric cancer. Review status: no classification provided. Collection method: in vitro. Allele origin: not applicable. Functional consequence: cryptic splice site, retained intron. Not counted in ClinVar's aggregate classification.

Dr. Peter K. Rogan Lab, Western University
No classification provided (evidence only). Condition: Gastric cancer. Review status: no classification provided. Collection method: in vitro. Allele origin: not applicable. Functional consequence: retained intron. Not counted in ClinVar's aggregate classification.

Dr. Peter K. Rogan Lab, Western University
No classification provided (evidence only). Condition: Uterine carcinosarcoma. Review status: no classification provided. Collection method: in vitro. Allele origin: not applicable. Functional consequence: retained intron. Not counted in ClinVar's aggregate classification.

Dr. Peter K. Rogan Lab, Western University
No classification provided (evidence only). Condition: Malignant tumor of esophagus. Review status: no classification provided. Collection method: in vitro. Allele origin: not applicable. Functional consequence: retained intron. Not counted in ClinVar's aggregate classification.

Dr. Peter K. Rogan Lab, Western University
No classification provided (evidence only). Condition: Malignant tumor of esophagus. Review status: no classification provided. Collection method: in vitro. Allele origin: not applicable. Functional consequence: retained intron. Not counted in ClinVar's aggregate classification.

Dr. Peter K. Rogan Lab, Western University
No classification provided (evidence only). Condition: Malignant tumor of esophagus. Review status: no classification provided. Collection method: in vitro. Allele origin: not applicable. Functional consequence: retained intron. Not counted in ClinVar's aggregate classification.

Literature cited by the submitters: PubMed 11773860 (cited by Mayo Clinic Laboratories, Mayo Clinic).

NM_001015880.2(PAPSS2):c.28G>A (p.Glu10Lys)

Gene: PAPSS2 (3'-phosphoadenosine 5'-phosphosulfate synthase 2; plus strand). Cytogenetic location: 10q23.31.
Variant type: single nucleotide variant.
Coding change: c.28G>A on transcript NM_001015880.2 (MANE Select); coding-DNA position 28, G replaced by A.
Protein change: p.Glu10Lys; replaces glutamic acid 10 with lysine.
Molecular consequence: missense variant.
Genome position (GRCh38, 1-based): chr10:87,709,196, G>A. VCF-style: chr10-87709196-G-A. GRCh37 (hg19) VCF-style: chr10-89468953-G-A.
Other names: c.28G>A, p.Glu10Lys (NM_004670.4); short protein forms E10K.
Identifiers: ClinVar variation 288334 (VCV000288334.19), dbSNP rs17173698, ClinGen allele CA5589331.